The following is an entry in ClinVar:

ClinVar aggregate classification (germline): Pathogenic/Likely pathogenic. Review status: criteria provided, multiple submitters, no conflicts (2 of 4 stars). 3 submissions from 3 submitters: Pathogenic (1); Likely pathogenic (1). 1 of the submissions does not count toward it. Last evaluated 2023-04-11.

Conditions:
Glycogen storage disease type III (GSD3). Also called: Cori disease; FORBES DISEASE. Identifiers: Orphanet 366, MedGen C0017922, MONDO:0009291, OMIM 232400.

Submissions (3):

Genome-Nilou Lab
Classification: Likely pathogenic for Glycogen storage disease type III. Last evaluated: 2023-04-11. Review status: criteria provided, single submitter. Criteria: ACMG Guidelines, 2015. Collection method: clinical testing. Allele origin: germline. Affected: no.

Labcorp Genetics (formerly Invitae), Labcorp
Classification: Pathogenic for Glycogen storage disease type III. Last evaluated: 2022-12-23. Review status: criteria provided, single submitter. Criteria: Invitae Variant Classification Sherloc (09022015). Collection method: clinical testing. Allele origin: germline.
Comment: For these reasons, this variant has been classified as Pathogenic. Algorithms developed to predict the effect of sequence changes on RNA splicing suggest that this variant may create or strengthen a splice site. ClinVar contains an entry for this variant (Variation ID: 370750). This variant is also known as c.1117_1120del. This premature translational stop signal has been observed in individual(s) with glycogen storage disease (PMID: 11757581). This variant is not present in population databases (gnomAD no frequency). This sequence change creates a premature translational stop signal (p.Asn390Ilefs*26) in the AGL gene. It is expected to result in an absent or disrupted protein product. Loss-of-function variants in AGL are known to be pathogenic (PMID: 19299494).

Counsyl
Classification: Likely pathogenic for Glycogen storage disease type III. Last evaluated: 2016-04-06. Review status: no assertion criteria provided. Collection method: clinical testing. Allele origin: unknown. Not counted in ClinVar's aggregate classification.

Literature cited by the submitters: PubMed 11757581 (cited by Labcorp Genetics (formerly Invitae), Labcorp and Counsyl); PubMed 19299494 (cited by Labcorp Genetics (formerly Invitae), Labcorp).

NM_000642.3(AGL):c.1169_1172del (p.Asn390fs)

Gene: AGL (amylo-alpha-1,6-glucosidase and 4-alpha-glucanotransferase; plus strand). Cytogenetic location: 1p21.2.
Variant type: Deletion.
Coding change: c.1169_1172del on transcript NM_000642.3 (MANE Select); coding-DNA positions 1169 to 1172, 4 bases deleted (ACTA; older notation c.1169_1172delACTA).
Protein change: p.Asn390fs; shifts the reading frame from asparagine 390.
Molecular consequence: frameshift variant.
Genome position (GRCh38, 1-based): chr1:99,875,240-99,875,243, ACTA deleted; deleting any 4 consecutive bases within chr1:99,875,238-99,875,243 gives the same sequence; the c. name uses the placement nearest the transcript's 3' end. VCF-style (leftmost placement, unchanged base first): chr1-99875237-TTAAC-T. GRCh37 (hg19) VCF-style: chr1-100340793-TTAAC-T.
Other names: c.1169_1172delACTA, p.Asn390Ilefs (NM_000028.3, NM_000643.3, NM_000644.3 and 2 more transcripts); c.1121_1124delACTA, p.Asn374Ilefs (NM_000646.3); c.965_968delACTA, p.Asn322Ilefs (NM_001425328.1, NM_001425329.1); c.791_794delACTA, p.Asn264Ilefs (NM_001425332.1); short protein forms N390fs, N374fs.
Identifiers: ClinVar variation 370750 (VCV000370750.11), dbSNP rs1057516741, ClinGen allele CA16040828.
Genomic context (GRCh38, chr1:99,875,237, plus strand): 5'-AATGCTGTAATTGGTTTCATAAAAGAATGGAGGAATTAAATTCAGAGAAGCATCGACTCA[TTAAC>T]TATCATCAGGAACAGGTTTTACTTATTTTTGAACTGCTGCTTTTCCTTGCATCTTACTAC-3'